The following is an entry in ClinVar:

ClinVar aggregate classification (germline): Uncertain significance. Review status: criteria provided, multiple submitters, no conflicts (2 of 4 stars). 3 submissions from 3 submitters: Uncertain significance (2). 1 of the submissions does not count toward it. Last evaluated 2024-11-03.

Conditions:
Glycine encephalopathy. Also called: Non-ketotic hyperglycinemia; Nonketotic hyperglycinemia. Identifiers: Orphanet 407, MedGen C0751748, MONDO:0011612, HP:0008288.

Allele frequency attached by ClinVar (database versions not stated): gnomAD exomes 0.00002; TOPMed 0.00002; ExAC 0.00003.
gnomAD v4.1: 15 of 1,613,360 alleles (0.00093%); highest among the groups gnomAD compares: Middle Eastern, 0.017%; no homozygotes.

Submissions (3):

GeneDx
Classification: Uncertain significance. Last evaluated: 2024-11-03. Review status: criteria provided, single submitter. Criteria: GeneDx Variant Classification Process June 2021. Collection method: clinical testing. Allele origin: germline. Affected: yes.
Comment: Not observed at significant frequency in large population cohorts (gnomAD); In silico analysis supports that this missense variant has a deleterious effect on protein structure/function; Has not been previously published as pathogenic or benign to our knowledge

Labcorp Genetics (formerly Invitae), Labcorp
Classification: Uncertain significance for Glycine encephalopathy. Last evaluated: 2022-08-23. Review status: criteria provided, single submitter. Criteria: Invitae Variant Classification Sherloc (09022015). Collection method: clinical testing. Allele origin: germline.
Comment: This sequence change replaces serine, which is neutral and polar, with leucine, which is neutral and non-polar, at codon 748 of the GLDC protein (p.Ser748Leu). This variant is present in population databases (rs769035358, gnomAD 0.007%). This variant has not been reported in the literature in individuals affected with GLDC-related conditions. ClinVar contains an entry for this variant (Variation ID: 991674). Algorithms developed to predict the effect of missense changes on protein structure and function are either unavailable or do not agree on the potential impact of this missense change (SIFT: "Deleterious"; PolyPhen-2: "Benign"; Align-GVGD: "Class C0"). In summary, the available evidence is currently insufficient to determine the role of this variant in disease. Therefore, it has been classified as a Variant of Uncertain Significance.

Natera, Inc.
Classification: Uncertain significance for Non-ketotic hyperglycinemia. Last evaluated: 2020-08-13. Review status: no assertion criteria provided. Collection method: clinical testing. Allele origin: germline. Not counted in ClinVar's aggregate classification.

NM_000170.3(GLDC):c.2243C>T (p.Ser748Leu)

Gene: GLDC (glycine decarboxylase; minus strand). Cytogenetic location: 9p24.1.
Variant type: single nucleotide variant.
Coding change: c.2243C>T on transcript NM_000170.3 (MANE Select); coding-DNA position 2243, C replaced by T.
Protein change: p.Ser748Leu; replaces serine 748 with leucine.
Molecular consequence: missense variant.
Genome position (GRCh38, 1-based): chr9:6,554,741, G>A on the plus strand (C>T on the coding strand, the complement: GLDC is on the minus strand). VCF-style: chr9-6554741-G-A. GRCh37 (hg19) VCF-style: chr9-6554741-G-A.
Other names: c.2243C>T (NM_000170.2); short protein forms S748L.
Identifiers: ClinVar variation 991674 (VCV000991674.4), dbSNP rs769035358, ClinGen allele CA4980316.
Genomic context (GRCh38, chr9:6,554,741, plus strand): 5'-CCCATGCCAGGACCACCTCCTCCGTGGGGAATGCAGAAGGTCTTGTGAAGATTTAGGTGC[G>A]AGACATCAGACCCGAAGTCTCCAGGGCGACAGATTCCCACCTACCACAAAGGCAAGGGCC-3'
Protein context (NP_000161.2, residues 738-758): CRPGDFGSDV[Ser748Leu]HLNLHKTFCI